The following is an entry in ClinVar:

NM_020549.5(CHAT):c.1681C>T (p.Arg561Ter)

Gene: CHAT (choline O-acetyltransferase; plus strand). Cytogenetic location: 10q11.23.
Variant type: single nucleotide variant.
Coding change: c.1681C>T on transcript NM_020549.5 (MANE Select); coding-DNA position 1681, C replaced by T.
Protein change: p.Arg561Ter; replaces arginine 561 with a stop codon.
Molecular consequence: nonsense.
Genome position (GRCh38, 1-based): chr10:49,655,141, C>T. VCF-style: chr10-49655141-C-T. GRCh37 (hg19) VCF-style: chr10-50863187-C-T.
Other names: c.1327C>T, p.Arg443Ter (NM_020984.4, NM_020985.4, NM_020986.4 and 2 more transcripts); c.1435C>T, p.Arg479Ter (NM_001142933.2); short protein forms R443*, R479*, R561*.
Identifiers: ClinVar variation 1452884 (VCV001452884.7), dbSNP rs1458796820, ClinGen allele CA376747358.
Genomic context (GRCh38, chr10:49,655,141, plus strand): 5'-TTCATCCCACGCAGGCTCCATCGAAGACTGGTGCCCACCTACGAGAGCGCGTCCATCCGC[C>T]GATTCCAGGAGGGACGCGTGGACAACATCAGATCGGCCACTCCAGAGGCACTGGCTTTTG-3'

ClinVar aggregate classification (germline): Pathogenic/Likely pathogenic. Review status: criteria provided, multiple submitters, no conflicts (2 of 4 stars). 2 submissions from 2 submitters: Pathogenic (1); Likely pathogenic (1). Last evaluated 2025-05-04.

Conditions:
Familial infantile myasthenia (CMS6). Also called: MYASTHENIC SYNDROME, PRESYNAPTIC, CONGENITAL, ASSOCIATED WITH EPISODIC APNEA; Congenital myasthenic syndrome type 6; MYASTHENIC SYNDROME, CONGENITAL, 6, PRESYNAPTIC. Identifiers: Orphanet 590, MedGen C0393929, MONDO:0009689, OMIM 254210.

Allele frequency attached by ClinVar (database versions not stated): gnomAD exomes below 0.00001; TOPMed below 0.00001; gnomAD 0.00001.
gnomAD v4.1: 6 of 1,614,002 alleles (0.00037%); highest among the groups gnomAD compares: East Asian, 0.0022%; no homozygotes.

Submissions (2):

Labcorp Genetics (formerly Invitae), Labcorp
Classification: Pathogenic for Familial infantile myasthenia. Last evaluated: 2025-05-04. Review status: criteria provided, single submitter. Criteria: Invitae Variant Classification Sherloc (09022015). Collection method: clinical testing. Allele origin: germline.
Comment: This sequence change creates a premature translational stop signal (p.Arg561*) in the CHAT gene. It is expected to result in an absent or disrupted protein product. Loss-of-function variants in CHAT are known to be pathogenic (PMID: 12548525, 21786365, 23292760). This variant is present in population databases (no rsID available, gnomAD 0.006%). This variant has not been reported in the literature in individuals affected with CHAT-related conditions. ClinVar contains an entry for this variant (Variation ID: 1452884). For these reasons, this variant has been classified as Pathogenic.

Baylor Genetics
Classification: Likely pathogenic for Familial infantile myasthenia. Last evaluated: 2023-08-21. Review status: criteria provided, single submitter. Criteria: ACMG Guidelines, 2015. Collection method: clinical testing. Allele origin: unknown.

Literature cited by the submitters: PubMed 12548525 (cited by Labcorp Genetics (formerly Invitae), Labcorp); PubMed 21786365 (cited by Labcorp Genetics (formerly Invitae), Labcorp); PubMed 23292760 (cited by Labcorp Genetics (formerly Invitae), Labcorp).